The following is an entry in ClinVar:

ClinVar aggregate classification (germline): Uncertain significance. Review status: criteria provided, multiple submitters, no conflicts (2 of 4 stars). 4 submissions from 4 submitters: Uncertain significance (4). Last evaluated 2025-11-22.

Conditions:
PLEC-related disorder. Also called: PLEC-related condition; PLEC-related disorders.
Autosomal recessive limb-girdle muscular dystrophy type 2Q (LGMDR17). Also called: MUSCULAR DYSTROPHY, LIMB-GIRDLE, AUTOSOMAL RECESSIVE 17. Identifiers: Orphanet 254361, MedGen C3150989, MONDO:0013390, OMIM 613723.
Epidermolysis bullosa simplex with nail dystrophy (EBS5D). Identifiers: MedGen C4225309, MONDO:0014661, OMIM 616487.
Epidermolysis bullosa simplex 5B, with muscular dystrophy (EBS5B). Also called: EPIDERMOLYSIS BULLOSA SIMPLEX AND LIMB-GIRDLE MUSCULAR DYSTROPHY; Epidermolysis bullosa simplex with muscular dystrophy. Identifiers: Orphanet 257, MedGen C2931072, MONDO:0009181, OMIM 226670.
Epidermolysis bullosa simplex, Ogna type (EBS5A). Also called: Pidermolysis bullosa simplex 5A, Ogna type; EPIDERMOLYSIS BULLOSA SIMPLEX 5A, OGNA TYPE. Identifiers: Orphanet 79401, MedGen C0432317, MONDO:0007555, OMIM 131950.
Epidermolysis bullosa simplex 5C, with pyloric atresia (EBS5C). Also called: PLEC1-Related Epidermolysis Bullosa with Pyloric Atresia; PLEC-Related Epidermolysis Bullosa with Pyloric Atresia; Epidermolysis bullosa simplex with pyloric atresia. Identifiers: Orphanet 158684, MedGen C2677349, MONDO:0012807, OMIM 612138.
Inborn genetic diseases. Identifiers: MedGen C0950123, MeSH D030342.

Allele frequency attached by ClinVar (database versions not stated): ExAC 0.00003; gnomAD 0.00003 and 0.00004; gnomAD exomes 0.00003 and 0.00005; TOPMed 0.00003.
gnomAD v4.1: 73 of 1,613,942 alleles (0.0045%); highest among the groups gnomAD compares: Non-Finnish European, 0.0062%; no homozygotes.

Submissions (4):

Labcorp Genetics (formerly Invitae), Labcorp
Classification: Uncertain significance for Autosomal recessive limb-girdle muscular dystrophy type 2Q; Epidermolysis bullosa simplex, Ogna type; Epidermolysis bullosa simplex with nail dystrophy; Epidermolysis bullosa simplex 5C, with pyloric atresia; Epidermolysis bullosa simplex 5B, with muscular dystrophy. Last evaluated: 2025-11-22. Review status: criteria provided, single submitter. Criteria: Invitae Variant Classification Sherloc (09022015). Collection method: clinical testing. Allele origin: germline.
Comment: This sequence change replaces glutamic acid, which is acidic and polar, with aspartic acid, which is acidic and polar, at codon 3546 of the PLEC protein (p.Glu3546Asp). This variant is present in population databases (rs782217188, gnomAD 0.006%). This variant has not been reported in the literature in individuals affected with PLEC-related conditions. ClinVar contains an entry for this variant (Variation ID: 1394215). Invitae Evidence Modeling of protein sequence and biophysical properties (such as structural, functional, and spatial information, amino acid conservation, physicochemical variation, residue mobility, and thermodynamic stability) indicates that this missense variant is not expected to disrupt PLEC protein function with a negative predictive value of 80%. In summary, the available evidence is currently insufficient to determine the role of this variant in disease. Therefore, it has been classified as a Variant of Uncertain Significance.

PreventionGenetics, part of Exact Sciences
Classification: Uncertain significance for PLEC-related condition. Last evaluated: 2025-09-12. Review status: criteria provided, single submitter. Criteria: ACMG Guidelines, 2015. Collection method: clinical testing. Allele origin: germline.
Comment: The PLEC c.10638G>C variant is predicted to result in the amino acid substitution p.Glu3546Asp. To our knowledge, this variant has not been reported in the literature. This variant is reported in 0.0062% of alleles in individuals of European (Non-Finnish) descent in gnomAD. At this time, the clinical significance of this variant is uncertain due to the absence of conclusive functional and genetic evidence.

Mayo Clinic Laboratories, Mayo Clinic
Classification: Uncertain significance. Last evaluated: 2025-04-29. Review status: criteria provided, single submitter. Criteria: ACMG Guidelines, 2015. Collection method: clinical testing. Allele origin: germline. Observed: 1 variant allele.

Ambry Genetics
Classification: Uncertain significance for Inborn genetic diseases. Last evaluated: 2023-05-23. Review status: criteria provided, single submitter. Criteria: Ambry Variant Classification Scheme 2023. Collection method: clinical testing. Allele origin: germline.

NM_201384.3(PLEC):c.10557G>C (p.Glu3519Asp)

Gene: PLEC (plectin; minus strand). Cytogenetic location: 8q24.3.
Variant type: single nucleotide variant.
Coding change: c.10557G>C on transcript NM_201384.3 (MANE Select); coding-DNA position 10557, G replaced by C.
Protein change: p.Glu3519Asp; replaces glutamic acid 3519 with aspartic acid.
Molecular consequence: missense variant.
Genome position (GRCh38, 1-based): chr8:143,919,264, C>G on the plus strand (G>C on the coding strand, the complement: PLEC is on the minus strand). VCF-style: chr8-143919264-C-G. GRCh37 (hg19) VCF-style: chr8-144993432-C-G.
Other names: p.Glu3546Asp; c.10638G>C, p.Glu3546Asp (NM_000445.5); c.10515G>C, p.Glu3505Asp (NM_201378.4); c.10491G>C, p.Glu3497Asp (NM_201379.3); c.10968G>C, p.Glu3656Asp (NM_201380.4); c.10461G>C, p.Glu3487Asp (NM_201381.3); c.10557G>C, p.Glu3519Asp (NM_201382.4); c.10569G>C, p.Glu3523Asp (NM_201383.3); and 1 more; short protein forms E3519D, E3523D, E3656D, E3487D, E3497D, E3505D, E3546D.
Identifiers: ClinVar variation 1394215 (VCV001394215.11), dbSNP rs782217188, ClinGen allele CA4924611.
Genomic context (GRCh38, chr8:143,919,264, plus strand): 5'-GCGCAAGCCCGTCTCGGGGTCCTCCACGCACCGCTCCAGCAGCTGCCTGTACGTGAGGTT[C>G]TCATGCGTGTTGGGGTCAAAGAAGCCCTTGGTGTCGTCGCTGGGGTCCGCCAGGACGCGG-3'
Protein context (NP_958786.1, residues 3509-3529): TKGFFDPNTH[Glu3519Asp]NLTYRQLLER